The following is an entry in ClinVar:

ClinVar aggregate classification (germline): Uncertain significance (1 of 4 stars; one submission).

Allele frequency attached by ClinVar (database versions not stated): gnomAD 0.00001.
gnomAD v4.1: 1 of 1,614,060 alleles (0.000062%); highest among the groups gnomAD compares: African/African-American, 0.0013%; no homozygotes.

Submission:

Labcorp Genetics (formerly Invitae), Labcorp
Classification: Uncertain significance. Last evaluated: 2022-12-21. Review status: criteria provided, single submitter. Criteria: Invitae Variant Classification Sherloc (09022015). Collection method: clinical testing. Allele origin: germline.
Comment: In summary, the available evidence is currently insufficient to determine the role of this variant in disease. Therefore, it has been classified as a Variant of Uncertain Significance. Algorithms developed to predict the effect of missense changes on protein structure and function output the following: SIFT: "Tolerated"; PolyPhen-2: "Benign"; Align-GVGD: "Class C0". The valine amino acid residue is found in multiple mammalian species, which suggests that this missense change does not adversely affect protein function. ClinVar contains an entry for this variant (Variation ID: 1479349). This variant has not been reported in the literature in individuals affected with BEST1-related conditions. This variant is not present in population databases (gnomAD no frequency). This sequence change replaces alanine, which is neutral and non-polar, with valine, which is neutral and non-polar, at codon 444 of the BEST1 protein (p.Ala444Val).

NM_004183.4(BEST1):c.1331C>T (p.Ala444Val)

Gene: BEST1 (bestrophin 1; plus strand). Cytogenetic location: 11q12.3.
Variant type: single nucleotide variant.
Coding change: c.1331C>T on transcript NM_004183.4 (MANE Select); coding-DNA position 1331, C replaced by T.
Protein change: p.Ala444Val; replaces alanine 444 with valine.
Molecular consequence: missense variant. On other transcripts: non-coding transcript variant (1).
Genome position (GRCh38, 1-based): chr11:61,962,485, C>T. VCF-style: chr11-61962485-C-T. GRCh37 (hg19) VCF-style: chr11-61729957-C-T.
Other names: c.1151C>T, p.Ala384Val (NM_001139443.3, NM_001300787.2); c.1070C>T, p.Ala357Val (NM_001300786.2); c.1013C>T, p.Ala338Val (NM_001363591.3); c.*226C>T (NM_001363592.2); c.359C>T, p.Ala120Val (NM_001363593.3); short protein forms A338V, A384V, A120V, A444V, A357V.
Identifiers: ClinVar variation 1479349 (VCV001479349.6), dbSNP rs1942171666, ClinGen allele CA380848437.